The following is an entry in ClinVar:

ClinVar aggregate classification (germline): Conflicting classifications of pathogenicity. Review status: criteria provided, conflicting classifications (1 of 4 stars). 3 submissions from 3 submitters: Uncertain significance (1); Likely benign (2). Last evaluated 2025-11-01.

Conditions:
Combined oxidative phosphorylation deficiency 42. Identifiers: MedGen C5394237, MONDO:0030008, OMIM 618839.

Submissions (3):

CeGaT Center for Human Genetics Tuebingen
Classification: Likely benign. Last evaluated: 2025-11-01. Review status: criteria provided, single submitter. Criteria: CeGaT Center For Human Genetics Tuebingen Variant Classification Criteria Version 2. Collection method: clinical testing. Allele origin: germline. Affected: yes. Observed: 2 variant alleles.
Comment: GATC: BP4

Blueprint Genetics
Classification: Likely benign. Last evaluated: 2024-11-06. Review status: criteria provided, single submitter. Criteria: ACMG Guidelines, 2015. Collection method: clinical testing. Allele origin: germline.

Department of Pathology and Laboratory Medicine, Sinai Health System
Classification: Uncertain significance for combined oxidative phosphorylation deficiency 42. Last evaluated: 2022-09-15. Review status: criteria provided, single submitter. Criteria: ACMG Guidelines, 2015. Collection method: research. Allele origin: germline.

NM_176818.3(GATC):c.82-7C>T

Genes: GATC (glutamyl-tRNA amidotransferase subunit C; plus strand), LOC112163529 (BRD4-independent group 4 enhancer GRCh37_chr12:120883528-120884727; plus strand). Cytogenetic location: 12q24.31.
Variant type: single nucleotide variant.
Coding change: c.82-7C>T on transcript NM_176818.3 (MANE Select); 7 bases into the intron before coding-DNA position 82, C replaced by T.
Molecular consequence: intron variant.
Genome position (GRCh38, 1-based): chr12:120,446,650, C>T. VCF-style: chr12-120446650-C-T. GRCh37 (hg19) VCF-style: chr12-120884453-C-T.
Identifiers: ClinVar variation 3779687 (VCV003779687.8).
Genomic context (GRCh38, chr12:120,446,650, plus strand): 5'-GCGGAGCAAGCCGGGAGGCACTTCGGAGCGCCGGTGACCCACACTCCCCGCCTCATCCCT[C>T]CTCCAGGGCAGTGGCCGGATCACGGCTGCGGTGATCGAGCACCTGGAGCGTCTAGCGCTT-3'